The following is an entry in ClinVar:

ClinVar aggregate classification (germline): Pathogenic (1 of 4 stars; one submission).

Conditions:
Neurofibromatosis, type 1 (NF1). Also called: Neurofibromatosis, type I; VON RECKLINGHAUSEN DISEASE; NEUROFIBROMATOSIS, TYPE I, SOMATIC; Peripheral type neurofibromatosis. Identifiers: Orphanet 636, MedGen C0027831, MONDO:0018975, OMIM 162200. Disease mechanism: loss of function.

Submission:

Labcorp Genetics (formerly Invitae), Labcorp
Classification: Pathogenic for Neurofibromatosis, type 1. Last evaluated: 2024-07-23. Review status: criteria provided, single submitter. Criteria: Invitae Variant Classification Sherloc (09022015). Collection method: clinical testing. Allele origin: germline.
Comment: This sequence change creates a premature translational stop signal (p.Pro388Leufs*24) in the NF1 gene. It is expected to result in an absent or disrupted protein product. Loss-of-function variants in NF1 are known to be pathogenic (PMID: 10712197, 23913538). This variant is not present in population databases (gnomAD no frequency). This variant has not been reported in the literature in individuals affected with NF1-related conditions. For these reasons, this variant has been classified as Pathogenic.

Literature cited by the submitters: PubMed 10712197; PubMed 23913538.

NM_001042492.3(NF1):c.1163del (p.Pro388fs)

Gene: NF1 (neurofibromin 1; plus strand). Cytogenetic location: 17q11.2.
Variant type: Deletion.
Coding change: c.1163del on transcript NM_001042492.3 (MANE Select); coding-DNA position 1163, one base deleted (C; older notation c.1163delC).
Protein change: p.Pro388fs; shifts the reading frame from proline 388.
Molecular consequence: frameshift variant.
Genome position (GRCh38, 1-based): chr17:31,201,137, C deleted; the last of 3 consecutive C bases (chr17:31,201,135-31,201,137); deleting any one gives the same sequence. VCF-style (leftmost placement, unchanged base first): chr17-31201134-GC-G. GRCh37 (hg19) VCF-style: chr17-29528152-GC-G.
Other names: c.1163delC, p.Pro388Leufs (NM_000267.4); c.1163del, p.Pro388fs (NM_001128147.3); short protein forms P388fs.
Identifiers: ClinVar variation 2839344 (VCV002839344.3), dbSNP rs2544797402, ClinGen allele CA2739267334.